The following is an entry in ClinVar:

ClinVar aggregate classification (germline): Uncertain significance (1 of 4 stars; one submission).

Conditions:
Dilated cardiomyopathy 1G (CMD1G). Identifiers: Orphanet 154, MedGen C1858763, MONDO:0011400, OMIM 604145.
Autosomal recessive limb-girdle muscular dystrophy type 2J (LGMDR10). Also called: Limb-girdle muscular dystrophy, type 2J; MUSCULAR DYSTROPHY, LIMB-GIRDLE, AUTOSOMAL RECESSIVE 10. Identifiers: Orphanet 140922, MedGen C1837342, MONDO:0012127, OMIM 608807.

Allele frequency attached by ClinVar (database versions not stated): gnomAD exomes below 0.00001; TOPMed below 0.00001; ExAC 0.00001; gnomAD 0.00001.
gnomAD v4.1: 3 of 1,613,652 alleles (0.00019%); highest among the groups gnomAD compares: Non-Finnish European, 0.00025%; no homozygotes.

Submission:

Labcorp Genetics (formerly Invitae), Labcorp
Classification: Uncertain significance for Dilated cardiomyopathy 1G; Autosomal recessive limb-girdle muscular dystrophy type 2J. Last evaluated: 2022-03-14. Review status: criteria provided, single submitter. Criteria: Invitae Variant Classification Sherloc (09022015). Collection method: clinical testing. Allele origin: germline.
Comment: This variant is located in the M band of TTN (PMID: 25589632). Variants in this region may be relevant for neuromuscular disorders, but have not been definitively shown to cause cardiomyopathy (PMID: 23975875). In summary, the available evidence is currently insufficient to determine the role of this variant in disease. Therefore, it has been classified as a Variant of Uncertain Significance. Experimental studies and prediction algorithms are not available or were not evaluated, and the functional significance of this variant is currently unknown. This variant has not been reported in the literature in individuals affected with TTN-related conditions. This variant is present in population databases (rs761087225, gnomAD 0.0009%). This sequence change replaces glutamic acid, which is acidic and polar, with glycine, which is neutral and non-polar, at codon 34816 of the TTN protein (p.Glu34816Gly).

Literature cited by the submitters: PubMed 25589632; PubMed 23975875.

NM_001267550.2(TTN):c.104447A>G (p.Glu34816Gly)

Genes: TTN-AS1 (TTN antisense RNA 1; plus strand), TTN (titin; minus strand). Cytogenetic location: 2q31.2.
Variant type: single nucleotide variant.
Coding change: c.104447A>G on transcript NM_001267550.2 (MANE Select); coding-DNA position 104447, A replaced by G.
Protein change: p.Glu34816Gly; replaces glutamic acid 34816 with glycine.
Molecular consequence: missense variant.
Genome position (GRCh38, 1-based): chr2:178,532,168, T>C on the plus strand (A>G on the coding strand, the complement: TTN is on the minus strand). VCF-style: chr2-178532168-T-C. GRCh37 (hg19) VCF-style: chr2-179396895-T-C.
Other names: c.99524A>G, p.Glu33175Gly (NM_001256850.1); c.77252A>G, p.Glu25751Gly (NM_003319.4); c.96743A>G, p.Glu32248Gly (NM_133378.4); c.77627A>G, p.Glu25876Gly (NM_133432.3); c.77828A>G, p.Glu25943Gly (NM_133437.4); short protein forms E32248G, E33175G, E25943G, E25876G, E34816G, E25751G.
Identifiers: ClinVar variation 2112044 (VCV002112044.4), dbSNP rs761087225, ClinGen allele CA1985426.